The following is an entry in ClinVar:

ClinVar aggregate classification (germline): Pathogenic/Likely pathogenic. Review status: criteria provided, multiple submitters, no conflicts (2 of 4 stars). 3 submissions from 3 submitters: Pathogenic (2); Likely pathogenic (1). Last evaluated 2023-12-25.

Conditions:
BEST1-related disorder. Also called: BEST1-related condition; BEST1-related disorders. Identifiers: MedGen CN239200.
Retinal dystrophy. Also called: Inherited retinal dystrophy. Identifiers: Orphanet 71862, MedGen C0854723, MeSH D058499, MONDO:0019118, HP:0000556.

Submissions (3):

Labcorp Genetics (formerly Invitae), Labcorp
Classification: Pathogenic. Last evaluated: 2023-12-25. Review status: criteria provided, single submitter. Criteria: Invitae Variant Classification Sherloc (09022015). Collection method: clinical testing. Allele origin: germline.
Comment: This sequence change replaces threonine, which is neutral and polar, with asparagine, which is neutral and polar, at codon 307 of the BEST1 protein (p.Thr307Asn). This variant is not present in population databases (gnomAD no frequency). This missense change has been observed in individuals with autosomal dominant Best vitelliform macular dystrophy (PMID: 27078032, 29781975). It has also been observed to segregate with disease in related individuals. ClinVar contains an entry for this variant (Variation ID: 2137121). Advanced modeling of protein sequence and biophysical properties (such as structural, functional, and spatial information, amino acid conservation, physicochemical variation, residue mobility, and thermodynamic stability) performed at Invitae indicates that this missense variant is expected to disrupt BEST1 protein function with a positive predictive value of 95%. This variant disrupts the p.Thr307 amino acid residue in BEST1. Other variant(s) that disrupt this residue have been determined to be pathogenic (PMID: 10331951, 10798642, 12565808). This suggests that this residue is clinically significant, and that variants that disrupt this residue are likely to be disease-causing. For these reasons, this variant has been classified as Pathogenic.

Blueprint Genetics
Classification: Pathogenic for BEST1-related disorders. Last evaluated: 2019-05-29. Review status: criteria provided, single submitter. Criteria: ACMG Guidelines, 2015. Collection method: clinical testing. Allele origin: germline. Affected: yes. Observed: 3 variant alleles.

Institute of Human Genetics, Univ. Regensburg, Univ. Regensburg
Classification: Likely pathogenic for Retinal dystrophy. Last evaluated: 2014-01-01. Review status: criteria provided, single submitter. Criteria: ACMG Guidelines, 2015. Collection method: clinical testing. Allele origin: germline. Affected: yes.

Literature cited by the submitters: PubMed 27078032 (cited by Labcorp Genetics (formerly Invitae), Labcorp and Institute of Human Genetics, Univ. Regensburg, Univ. Regensburg); PubMed 29781975 (cited by Labcorp Genetics (formerly Invitae), Labcorp); PubMed 10331951 (cited by Labcorp Genetics (formerly Invitae), Labcorp); PubMed 10798642 (cited by Labcorp Genetics (formerly Invitae), Labcorp); PubMed 12565808 (cited by Labcorp Genetics (formerly Invitae), Labcorp); PubMed 2978197 (cited by Institute of Human Genetics, Univ. Regensburg, Univ. Regensburg).

NM_004183.4(BEST1):c.920C>A (p.Thr307Asn)

Gene: BEST1 (bestrophin 1; plus strand). Cytogenetic location: 11q12.3.
Variant type: single nucleotide variant.
Coding change: c.920C>A on transcript NM_004183.4 (MANE Select); coding-DNA position 920, C replaced by A.
Protein change: p.Thr307Asn; replaces threonine 307 with asparagine.
Molecular consequence: missense variant. On other transcripts: non-coding transcript variant (1), intron variant (1).
Genome position (GRCh38, 1-based): chr11:61,959,550, C>A. VCF-style: chr11-61959550-C-A. GRCh37 (hg19) VCF-style: chr11-61727022-C-A.
Other names: c.740C>A, p.Thr247Asn (NM_001139443.3, NM_001300787.2); c.602C>A, p.Thr201Asn (NM_001363591.3); c.1123C>A, p.Pro375Thr (NM_001363592.2); c.-53C>A (NM_001363593.3); c.688-342C>A (NM_001300786.2); short protein forms P375T, T307N, T201N, T247N.
Identifiers: ClinVar variation 2137121 (VCV002137121.6), dbSNP rs281865269, ClinGen allele CA380843995.
Genomic context (GRCh38, chr11:61,959,550, plus strand): 5'-TCCCCAAGGTGGCAGAGCAGCTCATCAACCCCTTTGGAGAGGATGATGATGATTTTGAGA[C>A]CAACTGGATTGTCGACAGGAATTTGCAGGTATGGGGAGAGGGAGAGAAACCATACCATGG-3'
Protein context (NP_004174.1, residues 297-317): PFGEDDDDFE[Thr307Asn]NWIVDRNLQV